The following is an entry in ClinVar:

ClinVar aggregate classification (germline): Conflicting classifications of pathogenicity. Review status: criteria provided, conflicting classifications (1 of 4 stars). 3 submissions from 3 submitters: Uncertain significance (1); Likely benign (1). 1 of the submissions does not count toward it. Last evaluated 2023-07-07.

Conditions:
GLI3-related disorder. Also called: GLI3-related condition; GLI3-related disorders. Identifiers: MedGen CN239292.
Greig cephalopolysyndactyly syndrome (GCPS). Also called: POLYSYNDACTYLY WITH PECULIAR SKULL SHAPE; GLI3-Related Greig Cephalopolysyndactyly Syndrome; Greig syndrome. Identifiers: Orphanet 380, MedGen C0265306, MONDO:0008287, OMIM 175700.
Pallister-Hall syndrome (PHS). Also called: HYPOTHALAMIC HAMARTOBLASTOMA, HYPOPITUITARISM, IMPERFORATE ANUS, AND POSTAXIAL POLYDACTYLY; GLI3-Related Pallister-Hall Syndrome. Identifiers: Orphanet 672, MedGen C0265220, MONDO:0007804, OMIM 146510.

Allele frequency attached by ClinVar (database versions not stated): gnomAD 0.00001; TOPMed 0.00003; ExAC 0.00005.
gnomAD v4.1: 74 of 1,612,054 alleles (0.0046%); highest among the groups gnomAD compares: Non-Finnish European, 0.0051%; no homozygotes.

Submissions (3):

Labcorp Genetics (formerly Invitae), Labcorp
Classification: Likely benign for Pallister-Hall syndrome; Greig cephalopolysyndactyly syndrome. Last evaluated: 2023-07-07. Review status: criteria provided, single submitter. Criteria: Invitae Variant Classification Sherloc (09022015). Collection method: clinical testing. Allele origin: germline.

Laboratorio de Genetica e Diagnostico Molecular, Hospital Israelita Albert Einstein
Classification: Uncertain significance for Pallister-Hall syndrome; Greig cephalopolysyndactyly syndrome. Last evaluated: 2022-02-17. Review status: criteria provided, single submitter. Criteria: ACMG Guidelines, 2015. Collection method: clinical testing. Allele origin: germline. Affected: yes.
Comment: ACMG classification criteria: BP4 supporting

PreventionGenetics, part of Exact Sciences
Classification: Uncertain significance for GLI3-related condition. Last evaluated: 2024-08-07. Review status: no assertion criteria provided. Collection method: clinical testing. Allele origin: germline. Not counted in ClinVar's aggregate classification.
Comment: The GLI3 c.1346G>A variant is predicted to result in the amino acid substitution p.Arg449Gln. This variant was reported as a variant of uncertain significance in an individual with pituitary stalk interruption syndrome (Brauner et al 2020. PubMed ID: 33270637). This variant is reported in 0.0085% of alleles in individuals of European (non-Finnish) descent in gnomAD. Although we suspect this variant is benign, at this time, the clinical significance of this variant is uncertain due to the absence of conclusive functional and genetic evidence.

NM_000168.6(GLI3):c.1346G>A (p.Arg449Gln)

Gene: GLI3 (GLI family zinc finger 3; minus strand). Cytogenetic location: 7p14.1.
Variant type: single nucleotide variant.
Coding change: c.1346G>A on transcript NM_000168.6 (MANE Select); coding-DNA position 1346, G replaced by A.
Protein change: p.Arg449Gln; replaces arginine 449 with glutamine.
Molecular consequence: missense variant.
Genome position (GRCh38, 1-based): chr7:42,025,274, C>T on the plus strand (G>A on the coding strand, the complement: GLI3 is on the minus strand). VCF-style: chr7-42025274-C-T. GRCh37 (hg19) VCF-style: chr7-42064873-C-T.
Other names: short protein forms R449Q.
Identifiers: ClinVar variation 649398 (VCV000649398.11), dbSNP rs745809543, ClinGen allele CA4230885.